The following is an entry in ClinVar:

ClinVar aggregate classification (germline): Uncertain significance (1 of 4 stars; one submission).

Submission:

Labcorp Genetics (formerly Invitae), Labcorp
Classification: Uncertain significance. Last evaluated: 2022-11-11. Review status: criteria provided, single submitter. Criteria: Invitae Variant Classification Sherloc (09022015). Collection method: clinical testing. Allele origin: germline.
Comment: Algorithms developed to predict the effect of sequence changes on RNA splicing suggest that this variant may disrupt the consensus splice site. In summary, the available evidence is currently insufficient to determine the role of this variant in disease. Therefore, it has been classified as a Variant of Uncertain Significance. This variant has not been reported in the literature in individuals affected with TNFRSF11A-related conditions. This variant is not present in population databases (gnomAD no frequency). This sequence change falls in intron 1 of the TNFRSF11A gene. It does not directly change the encoded amino acid sequence of the TNFRSF11A protein.

NM_003839.4(TNFRSF11A):c.76-18C>G

Gene: TNFRSF11A (TNF receptor superfamily member 11a; plus strand). Cytogenetic location: 18q21.33.
Variant type: single nucleotide variant.
Coding change: c.76-18C>G on transcript NM_003839.4 (MANE Select); 18 bases into the intron before coding-DNA position 76, C replaced by G.
Molecular consequence: intron variant.
Genome position (GRCh38, 1-based): chr18:62,348,150, C>G. VCF-style: chr18-62348150-C-G. GRCh37 (hg19) VCF-style: chr18-60015383-C-G.
Other names: c.76-18C>G (NM_001270949.2, NM_001270950.2, NM_001270951.2 and 1 more transcripts).
Identifiers: ClinVar variation 2813574 (VCV002813574.3), dbSNP rs748514888, ClinGen allele CA2739276305.